The following is an entry in ClinVar:

ClinVar aggregate classification (germline): Likely benign. Review status: criteria provided, single submitter (1 of 4 stars). 2 submissions from 2 submitters: Likely benign (1). 1 of the submissions does not count toward it. Last evaluated 2025-12-21.

Conditions:
PDE8B-related disorder. Also called: PDE8B-related condition.

Allele frequency attached by ClinVar (database versions not stated): gnomAD 0.00012 and 0.00013; gnomAD exomes 0.00012 and 0.00025; 1000 Genomes Project 30x 0.00016; 1000 Genomes Project 0.00020; ESP Exome Variant Server 0.00023; ExAC 0.00027; TOPMed 0.00027.
gnomAD v4.1: 244 of 1,614,000 alleles (0.015%); highest among the groups gnomAD compares: East Asian, 0.23%; no homozygotes.

Submissions (2):

Labcorp Genetics (formerly Invitae), Labcorp
Classification: Likely benign. Last evaluated: 2025-12-21. Review status: criteria provided, single submitter. Criteria: Invitae Variant Classification Sherloc (09022015). Collection method: clinical testing. Allele origin: germline.

PreventionGenetics, part of Exact Sciences
Classification: Likely benign for PDE8B-related condition. Last evaluated: 2024-02-29. Review status: no assertion criteria provided. Collection method: clinical testing. Allele origin: germline. Not counted in ClinVar's aggregate classification.
Comment: This variant is classified as likely benign based on ACMG/AMP sequence variant interpretation guidelines (Richards et al. 2015 PMID: 25741868, with internal and published modifications).

NM_003719.5(PDE8B):c.2144C>T (p.Thr715Met)

Gene: PDE8B (phosphodiesterase 8B; plus strand). Cytogenetic location: 5q13.3.
Variant type: single nucleotide variant.
Coding change: c.2144C>T on transcript NM_003719.5 (MANE Select); coding-DNA position 2144, C replaced by T.
Protein change: p.Thr715Met; replaces threonine 715 with methionine.
Molecular consequence: missense variant.
Genome position (GRCh38, 1-based): chr5:77,419,781, C>T. VCF-style: chr5-77419781-C-T. GRCh37 (hg19) VCF-style: chr5-76715606-C-T.
Other names: c.2144C>T (NM_003719.3); c.1853C>T, p.Thr618Met (NM_001029851.4); c.1979C>T, p.Thr660Met (NM_001029852.4); c.2084C>T, p.Thr695Met (NM_001029853.4); c.2003C>T, p.Thr668Met (NM_001029854.4); c.2141C>T, p.Thr714Met (NM_001349748.3, NM_001349751.3); c.2207C>T, p.Thr736Met (NM_001349749.3); c.1904C>T, p.Thr635Met (NM_001349750.3); and 13 more; short protein forms T567M, T613M, T617M, T665M, T736M, T566M, T587M, T618M.
Identifiers: ClinVar variation 1496412 (VCV001496412.8), dbSNP rs202138455, ClinGen allele CA3315428.
Genomic context (GRCh38, chr5:77,419,781, plus strand): 5'-TTGAGACACGCTGTGAACAAGCCCCTTTGTCTTGTGGTTATTTTAGGAACCATTATCGAA[C>T]GCTGCGCCAGGCTATTATTGACATGGTTTTGGCAACAGAGATGACAAAACACTTTGAACA-3'
Protein context (NP_003710.1, residues 705-725): FKNIDRNHYR[Thr715Met]LRQAIIDMVL